The following is an entry in ClinVar:

NM_002972.4(SBF1):c.4549C>T (p.His1517Tyr)

Gene: SBF1 (SET binding factor 1; minus strand). Cytogenetic location: 22q13.33.
Variant type: single nucleotide variant.
Coding change: c.4549C>T on transcript NM_002972.4 (MANE Select); coding-DNA position 4549, C replaced by T.
Protein change: p.His1517Tyr; replaces histidine 1517 with tyrosine.
Molecular consequence: missense variant.
Genome position (GRCh38, 1-based): chr22:50,455,229, G>A on the plus strand (C>T on the coding strand, the complement: SBF1 is on the minus strand). VCF-style: chr22-50455229-G-A. GRCh37 (hg19) VCF-style: chr22-50893658-G-A.
Other names: c.4474C>T, p.His1492Tyr (NM_001365819.1); c.4549C>T (NM_002972.3); short protein forms H1492Y, H1517Y.
Identifiers: ClinVar variation 1217085 (VCV001217085.12), dbSNP rs535304513, ClinGen allele CA10316228.

ClinVar aggregate classification (germline): Uncertain significance. Review status: criteria provided, multiple submitters, no conflicts (2 of 4 stars). 4 submissions from 4 submitters: Uncertain significance (3). 1 of the submissions does not count toward it. Last evaluated 2025-09-29.

Conditions:
SBF1-related disorder. Also called: SBF1-related condition.

Allele frequency attached by ClinVar (database versions not stated): gnomAD exomes 0.00005 and 0.00010; ExAC 0.00008; TOPMed 0.00009; gnomAD 0.00003 and 0.00005.
gnomAD v4.1: 36 of 1,612,874 alleles (0.0022%); highest among the groups gnomAD compares: Admixed American, 0.053%; no homozygotes.

Submissions (4):

GeneDx
Classification: Uncertain significance. Last evaluated: 2025-09-29. Review status: criteria provided, single submitter. Criteria: GeneDx Variant Classification Process June 2021. Collection method: clinical testing. Allele origin: germline. Affected: yes.
Comment: In silico analysis supports that this missense variant has a deleterious effect on protein structure/function; Has not been previously published as pathogenic or benign to our knowledge

Ambry Genetics
Classification: Uncertain significance. Last evaluated: 2023-02-16. Review status: criteria provided, single submitter. Criteria: Ambry Variant Classification Scheme 2023. Collection method: clinical testing. Allele origin: germline.

Labcorp Genetics (formerly Invitae), Labcorp
Classification: Uncertain significance. Last evaluated: 2022-03-05. Review status: criteria provided, single submitter. Criteria: Invitae Variant Classification Sherloc (09022015). Collection method: clinical testing. Allele origin: germline.
Comment: This variant is present in population databases (rs535304513, gnomAD 0.07%). This sequence change replaces histidine, which is basic and polar, with tyrosine, which is neutral and polar, at codon 1517 of the SBF1 protein (p.His1517Tyr). This variant has not been reported in the literature in individuals affected with SBF1-related conditions. ClinVar contains an entry for this variant (Variation ID: 1217085). Algorithms developed to predict the effect of missense changes on protein structure and function output the following: SIFT: "Tolerated"; PolyPhen-2: "Benign"; Align-GVGD: "Class C0". The tyrosine amino acid residue is found in multiple mammalian species, which suggests that this missense change does not adversely affect protein function. In summary, the available evidence is currently insufficient to determine the role of this variant in disease. Therefore, it has been classified as a Variant of Uncertain Significance.

PreventionGenetics, part of Exact Sciences
Classification: Uncertain significance for SBF1-related condition. Last evaluated: 2024-05-11. Review status: no assertion criteria provided. Collection method: clinical testing. Allele origin: germline. Not counted in ClinVar's aggregate classification.
Comment: The SBF1 c.4549C>T variant is predicted to result in the amino acid substitution p.His1517Tyr. To our knowledge, this variant has not been reported in the literature. This variant is reported in 0.065% of alleles in individuals of Latino descent in gnomAD, which may be too common to be disease-causing. At this time, the clinical significance of this variant is uncertain due to the absence of conclusive functional and genetic evidence.